The following is an entry in ClinVar:

NM_006393.3(NEBL):c.102T>G (p.Ile34Met)

Gene: NEBL (nebulette; minus strand). Cytogenetic location: 10p12.31.
Variant type: single nucleotide variant.
Coding change: c.102T>G on transcript NM_006393.3 (MANE Select); coding-DNA position 102, T replaced by G.
Protein change: p.Ile34Met; replaces isoleucine 34 with methionine.
Molecular consequence: missense variant. On other transcripts: intron variant (9).
Genome position (GRCh38, 1-based): chr10:20,897,009, A>C on the plus strand (T>G on the coding strand, the complement: NEBL is on the minus strand). VCF-style: chr10-20897009-A-C. GRCh37 (hg19) VCF-style: chr10-21185938-A-C.
Other names: c.249+64663T>G (NM_001377326.1, NM_001377327.1, NM_001377328.1); c.357+64663T>G (NM_213569.2, NM_001173484.2, NM_001377322.1); c.300+64663T>G (NM_001377324.1); c.291+64663T>G (NM_001377325.1); c.309+64663T>G (NM_001377323.1); short protein forms I34M.
Identifiers: ClinVar variation 3918543 (VCV003918543.1).
Genomic context (GRCh38, chr10:20,897,009, plus strand): 5'-GCCACTTACATCGCTAATGAGTTCCGTGCATTTTCTGGCCAATTCCATGCTTAAGTCTTC[A>C]ATAACAGGCTTATAGAAGACCTATTTGAAAAAAAAGAAAAGAACAGAAAGAACATTTTTC-3'
Protein context (NP_006384.1, residues 24-44): EEDQVFYKPV[Ile34Met]EDLSMELARK

ClinVar aggregate classification (germline): Uncertain significance (1 of 4 stars; one submission).

gnomAD v4.1: 5 of 1,613,864 alleles (0.00031%); highest among the groups gnomAD compares: Non-Finnish European, 0.00042%; no homozygotes.

Submission:

Ambry Genetics
Classification: Uncertain significance. Last evaluated: 2025-03-23. Review status: criteria provided, single submitter. Criteria: Ambry Variant Classification Scheme 2023. Collection method: clinical testing. Allele origin: germline.
Comment: The p.I34M variant (also known as c.102T>G), located in coding exon 2 of the NEBL gene, results from a T to G substitution at nucleotide position 102. The isoleucine at codon 34 is replaced by methionine, an amino acid with highly similar properties. This amino acid position is conserved. In addition, this alteration is predicted to be tolerated by in silico analysis. Based on the available evidence, the clinical significance of this variant remains unclear.